The following is an entry in ClinVar:

NM_002471.4(MYH6):c.4627C>T (p.Gln1543Ter)

Gene: MYH6 (myosin heavy chain 6; minus strand). Cytogenetic location: 14q11.2.
Variant type: single nucleotide variant.
Coding change: c.4627C>T on transcript NM_002471.4 (MANE Select); coding-DNA position 4627, C replaced by T.
Protein change: p.Gln1543Ter; replaces glutamine 1543 with a stop codon.
Molecular consequence: nonsense.
Genome position (GRCh38, 1-based): chr14:23,387,552, G>A on the plus strand (C>T on the coding strand, the complement: MYH6 is on the minus strand). VCF-style: chr14-23387552-G-A. GRCh37 (hg19) VCF-style: chr14-23856761-G-A.
Other names: short protein forms Q1543*.
Identifiers: ClinVar variation 4715795 (VCV004715795.1).

ClinVar aggregate classification (germline): Uncertain significance (1 of 4 stars; one submission).

Conditions:
Hypertrophic cardiomyopathy 14. Identifiers: MedGen C2750467, MONDO:0013197, OMIM 613251.

Submission:

Labcorp Genetics (formerly Invitae), Labcorp
Classification: Uncertain significance for Hypertrophic cardiomyopathy 14. Last evaluated: 2025-03-30. Review status: criteria provided, single submitter. Criteria: Invitae Variant Classification Sherloc (09022015). Collection method: clinical testing. Allele origin: germline.
Comment: This sequence change creates a premature translational stop signal (p.Gln1543*) in the MYH6 gene. It is expected to result in an absent or disrupted protein product. However, the current clinical and genetic evidence is not sufficient to establish whether loss-of-function variants in MYH6 cause disease. This variant is not present in population databases (gnomAD no frequency). This variant has not been reported in the literature in individuals affected with MYH6-related conditions. In summary, the available evidence is currently insufficient to determine the role of this variant in disease. Therefore, it has been classified as a Variant of Uncertain Significance.